The following is an entry in ClinVar:

ClinVar aggregate classification (germline): Pathogenic (1 of 4 stars; one submission).

Conditions:
Coffin-Siris syndrome 1 (CSS1). Also called: Mental retardation, autosomal dominant 12; ARID1B-Related Coffin-Siris Syndrome. Identifiers: Orphanet 1465, MedGen C3281201, MONDO:0007617, OMIM 135900. Disease mechanism: gain of function.

Submission:

Victorian Clinical Genetics Services, Murdoch Childrens Research Institute
Classification: Pathogenic for Coffin-Siris syndrome 1. Last evaluated: 2024-09-20. Review status: criteria provided, single submitter. Criteria: ACMG Guidelines, 2015. Collection method: clinical testing. Allele origin: germline. Inheritance: Autosomal dominant inheritance. Affected: yes.
Comment: Based on the classification scheme VCGS_Germline_v1.3.4, this variant is classified as Pathogenic. Following criteria are met: 0102 - Loss of function is a known mechanism of disease in this gene and is associated with Coffin-Siris syndrome 1 (MIM#135900). (I) 0107 - This gene is associated with autosomal dominant disease. (I) 0115 - Variants in this gene are known to have variable expressivity (PMID: 33768696). (I) 0201 - Variant is predicted to cause nonsense-mediated decay (NMD) and loss of protein (premature termination codon is located at least 54 nucleotides upstream of the final exon-exon junction). (SP) 0251 - This variant is heterozygous. (I) 0301 - Variant is absent from gnomAD (both v2 and v3). (SP) 0701 - Other NMD predicted variants comparable to the one identified in this case have very strong previous evidence for pathogenicity (DECIPHER). (SP) 0807 - This variant has no previous evidence of pathogenicity. (I) 0905 - No published segregation evidence has been identified for this variant. (I) 1007 - No published functional evidence has been identified for this variant. (SP) Legend: (SP) - Supporting pathogenic, (I) - Information, (SB) - Supporting benign

Literature cited by the submitters: PubMed 33768696.

NM_001374828.1(ARID1B):c.2187del (p.Gly730fs)

Gene: ARID1B (AT-rich interaction domain 1B; plus strand). Cytogenetic location: 6q25.3.
Variant type: Deletion.
Coding change: c.2187del on transcript NM_001374828.1 (MANE Select); coding-DNA position 2187, one base deleted (C; older notation c.2187delC).
Protein change: p.Gly730fs; shifts the reading frame from glycine 730.
Molecular consequence: frameshift variant.
Genome position (GRCh38, 1-based): chr6:156,935,516, C deleted; the last of 5 consecutive C bases (chr6:156,935,512-156,935,516); deleting any one gives the same sequence. VCF-style (leftmost placement, unchanged base first): chr6-156935511-GC-G. GRCh37 (hg19) VCF-style: chr6-157256645-GC-G.
Other names: c.2226del, p.Gly743fs (NM_001371656.1, NM_001374820.1); c.2187del, p.Gly730fs (NM_017519.3); short protein forms G730fs, G743fs.
Identifiers: ClinVar variation 3254955 (VCV003254955.2), dbSNP rs2535348456.